The following is an entry in ClinVar:

NM_153717.3(EVC):c.1465-1G>A

Gene: EVC (EvC ciliary complex subunit 1; plus strand). Cytogenetic location: 4p16.2.
Variant type: single nucleotide variant.
Coding change: c.1465-1G>A on transcript NM_153717.3 (MANE Select); the canonical splice acceptor site of the intron before coding-DNA position 1465, G replaced by A.
Molecular consequence: splice acceptor variant.
Genome position (GRCh38, 1-based): chr4:5,756,263, G>A. VCF-style: chr4-5756263-G-A. GRCh37 (hg19) VCF-style: chr4-5757990-G-A.
Other names: c.1465-1G>A (NM_001306090.2, NM_001306092.2).
Identifiers: ClinVar variation 998010 (VCV000998010.4), dbSNP rs1731156302, ClinGen allele CA356157308.

ClinVar aggregate classification (germline): Likely pathogenic. Review status: criteria provided, single submitter (1 of 4 stars). 2 submissions from 2 submitters: Likely pathogenic (1). 1 of the submissions does not count toward it. Last evaluated 2024-02-20.

Conditions:
Ellis-van Creveld syndrome (EVC). Also called: EVC-Related Ellis-van Creveld Syndrome; EVC2-Related Ellis-van Creveld Syndrome; MESOECTODERMAL DYSPLASIA; Chondroectodermal dysplasia. Identifiers: Orphanet 289, MedGen C0013903, MONDO:0009162, OMIM 225500.
Curry-Hall syndrome (WAD). Also called: WEYERS ACRODENTAL DYSOSTOSIS. Identifiers: Orphanet 952, MedGen C0457013, MONDO:0008673, OMIM 193530.

Submissions (2):

Labcorp Genetics (formerly Invitae), Labcorp
Classification: Likely pathogenic for Curry-Hall syndrome; Ellis-van Creveld syndrome. Last evaluated: 2024-02-20. Review status: criteria provided, single submitter. Criteria: Invitae Variant Classification Sherloc (09022015). Collection method: clinical testing. Allele origin: germline.
Comment: This sequence change affects an acceptor splice site in intron 10 of the EVC gene. RNA analysis indicates that disruption of this splice site induces altered splicing and likely results in a shortened protein product. This variant is not present in population databases (gnomAD no frequency). Disruption of this splice site has been observed in individual(s) with Ellis-van Creveld syndrome (PMID: 26621368, 34006472). In at least one individual the data is consistent with being in trans (on the opposite chromosome) from a pathogenic variant. ClinVar contains an entry for this variant (Variation ID: 998010). Studies have shown that disruption of this splice site results in skipping of exon 11, but is expected to preserve the integrity of the reading-frame (PMID: 26621368). In summary, the currently available evidence indicates that the variant is pathogenic, but additional data are needed to prove that conclusively. Therefore, this variant has been classified as Likely Pathogenic.

Beijing Key Laboratory for Genetic Research of Skeletal Deformity, Peking Union Medical College Hospital
Classification: Likely pathogenic for Curry-Hall syndrome. Last evaluated: 2019-05-31. Review status: no assertion criteria provided. Collection method: research. Allele origin: unknown. Affected: yes. Not counted in ClinVar's aggregate classification.

Literature cited by the submitters: PubMed 26621368 (cited by Labcorp Genetics (formerly Invitae), Labcorp); PubMed 34006472 (cited by Labcorp Genetics (formerly Invitae), Labcorp).